The following is an entry in ClinVar:

ClinVar aggregate classification (germline): Uncertain significance (1 of 4 stars; one submission).

Submission:

Labcorp Genetics (formerly Invitae), Labcorp
Classification: Uncertain significance. Last evaluated: 2022-11-29. Review status: criteria provided, single submitter. Criteria: Invitae Variant Classification Sherloc (09022015). Collection method: clinical testing. Allele origin: germline.
Comment: Algorithms developed to predict the effect of missense changes on protein structure and function output the following: SIFT: "Tolerated"; PolyPhen-2: "Benign"; Align-GVGD: "Class C0". The valine amino acid residue is found in multiple mammalian species, which suggests that this missense change does not adversely affect protein function. In summary, the available evidence is currently insufficient to determine the role of this variant in disease. Therefore, it has been classified as a Variant of Uncertain Significance. This variant has not been reported in the literature in individuals affected with DSG1-related conditions. This variant is not present in population databases (gnomAD no frequency). This sequence change replaces leucine, which is neutral and non-polar, with valine, which is neutral and non-polar, at codon 771 of the DSG1 protein (p.Leu771Val).

NM_001942.4(DSG1):c.2311C>G (p.Leu771Val)

Genes: DSG1 (desmoglein 1; plus strand), DSG1-AS1 (DSG1 antisense RNA 1; minus strand), LOC126862720 (MED14-independent group 3 enhancer GRCh37_chr18:28933613-28934812; plus strand). Cytogenetic location: 18q12.1.
Variant type: single nucleotide variant.
Coding change: c.2311C>G on transcript NM_001942.4 (MANE Select); coding-DNA position 2311, C replaced by G.
Protein change: p.Leu771Val; replaces leucine 771 with valine.
Molecular consequence: missense variant.
Genome position (GRCh38, 1-based): chr18:31,354,507, C>G. VCF-style: chr18-31354507-C-G. GRCh37 (hg19) VCF-style: chr18-28934470-C-G.
Other names: short protein forms L771V.
Identifiers: ClinVar variation 2817317 (VCV002817317.3), dbSNP rs2510845582, ClinGen allele CA402122090.